The following is an entry in ClinVar:

NM_032638.5(GATA2):c.1154C>A (p.Pro385Gln)

Gene: GATA2 (GATA binding protein 2; minus strand). Cytogenetic location: 3q21.3.
Variant type: single nucleotide variant.
Coding change: c.1154C>A on transcript NM_032638.5 (MANE Select); coding-DNA position 1154, C replaced by A.
Protein change: p.Pro385Gln; replaces proline 385 with glutamine.
Molecular consequence: missense variant.
Genome position (GRCh38, 1-based): chr3:128,481,308, G>T on the plus strand (C>A on the coding strand, the complement: GATA2 is on the minus strand). VCF-style: chr3-128481308-G-T. GRCh37 (hg19) VCF-style: chr3-128200151-G-T.
Other names: c.1154C>A, p.Pro385Gln (NM_001145661.2); c.1112C>A, p.Pro371Gln (NM_001145662.1); short protein forms P371Q, P385Q.
Identifiers: ClinVar variation 1184200 (VCV001184200.1), dbSNP rs2107668121, ClinGen allele CA354413378.

ClinVar aggregate classification (germline): Likely pathogenic (1 of 4 stars; one submission).

Conditions:
Deafness-lymphedema-leukemia syndrome. Also called: Emberger syndrome; Lymphedema, primary, with myelodysplasia. Identifiers: Orphanet 3226, MedGen C3279664, MONDO:0013540, OMIM 614038.
GATA2 deficiency with susceptibility to MDS/AML. Identifiers: MedGen CN300066, MONDO:0042982.

Submission:

Molecular Pathology Research Laboratory, SA Pathology
Classification: Likely pathogenic for GATA2 deficiency with susceptibility to MDS/AML; Deafness-lymphedema-leukemia syndrome. Last evaluated: 2021-07-06. Review status: criteria provided, single submitter. Criteria: ACMG Guidelines, 2015. Collection method: curation. Allele origin: germline. Inheritance: Autosomal dominant inheritance. Affected: yes. Observed: 3 variant alleles. Clinical features observed: Myelodysplasia, Acute Myeloid Leukemia, Immunodeficiency, Lymphedema, T-cell acute lymphoblastic leukemia.
Comment: PS4_Moderate, PM1, PM2, PP3

Literature cited by the submitters: PubMed 29724903.